The following is an entry in ClinVar:

NM_000059.4(BRCA2):c.6628G>A (p.Glu2210Lys)

Gene: BRCA2 (BRCA2 DNA repair associated; plus strand). Cytogenetic location: 13q13.1.
Variant type: single nucleotide variant.
Coding change: c.6628G>A on transcript NM_000059.4 (MANE Select); coding-DNA position 6628, G replaced by A.
Protein change: p.Glu2210Lys; replaces glutamic acid 2210 with lysine.
Molecular consequence: missense variant. On other transcripts: non-coding transcript variant (1), intron variant (2).
Genome position (GRCh38, 1-based): chr13:32,340,983, G>A. VCF-style: chr13-32340983-G-A. GRCh37 (hg19) VCF-style: chr13-32915120-G-A.
Other names: c.6628G>A, p.Glu2210Lys (NM_001406719.1, NM_001406720.1, NM_001432077.1); c.1910-3575G>A (NM_001406721.1); c.425-3575G>A (NM_001406722.1); short protein forms E2210K.
Identifiers: ClinVar variation 4802328 (VCV004802328.2).

ClinVar aggregate classification (germline): Uncertain significance. Review status: criteria provided, multiple submitters, no conflicts (2 of 4 stars). 2 submissions from 2 submitters: Uncertain significance (2). Last evaluated 2026-05-21.

Conditions:
Hereditary breast ovarian cancer syndrome. Also called: Hereditary breast and ovarian cancer syndrome (HBOC); Hereditary breast and ovarian cancer syndrome; Breast and ovarian cancer; Hereditary breast and/or ovarian cancer syndrome; Hereditary breast and ovarian cancer; BRCA1- and BRCA2-Associated Hereditary Breast and Ovarian Cancer. Identifiers: Orphanet 145, MedGen C0677776, MeSH D061325, MONDO:0003582. Disease mechanism: loss of function.
Hereditary cancer-predisposing syndrome. Also called: Hereditary neoplastic syndrome; Neoplastic Syndromes, Hereditary; Tumor predisposition; Hereditary Cancer Syndrome. Identifiers: Orphanet 140162, MedGen C0027672, MeSH D009386, MONDO:0015356.

Submissions (2):

Ambry Genetics
Classification: Uncertain significance for Hereditary cancer-predisposing syndrome. Last evaluated: 2026-05-21. Review status: criteria provided, single submitter. Criteria: Ambry Variant Classification Scheme 2023. Collection method: clinical testing. Allele origin: germline.
Comment: The p.E2210K variant (also known as c.6628G>A), located in coding exon 10 of the BRCA2 gene, results from a G to A substitution at nucleotide position 6628. The glutamic acid at codon 2210 is replaced by lysine, an amino acid with similar properties. This amino acid position is not well conserved in available vertebrate species. In addition, the in silico prediction for this alteration is inconclusive. Based on the available evidence, the clinical significance of this variant remains unclear.

Labcorp Genetics (formerly Invitae), Labcorp
Classification: Uncertain significance for Hereditary breast ovarian cancer syndrome. Last evaluated: 2025-05-27. Review status: criteria provided, single submitter. Criteria: Invitae Variant Classification Sherloc (09022015). Collection method: clinical testing. Allele origin: germline.
Comment: This sequence change replaces glutamic acid, which is acidic and polar, with lysine, which is basic and polar, at codon 2210 of the BRCA2 protein (p.Glu2210Lys). This variant is not present in population databases (gnomAD no frequency). This variant has not been reported in the literature in individuals affected with BRCA2-related conditions. Invitae Evidence Modeling of protein sequence and biophysical properties (such as structural, functional, and spatial information, amino acid conservation, physicochemical variation, residue mobility, and thermodynamic stability) indicates that this missense variant is not expected to disrupt BRCA2 protein function with a negative predictive value of 95%. Algorithms developed to predict the effect of sequence changes on RNA splicing suggest that this variant may create or strengthen a splice site. In summary, the available evidence is currently insufficient to determine the role of this variant in disease. Therefore, it has been classified as a Variant of Uncertain Significance.